The following is an entry in ClinVar:

ClinVar aggregate classification (germline): Pathogenic. Review status: criteria provided, multiple submitters, no conflicts (2 of 4 stars). 16 submissions from 16 submitters: Pathogenic (11). 5 of the submissions do not count toward it. Last evaluated 2026-02-10.

Conditions:
BRCA1-related disorder. Also called: BRCA1-related condition.
Hereditary cancer-predisposing syndrome. Also called: Neoplastic Syndromes, Hereditary; Tumor predisposition; Hereditary neoplastic syndrome; Hereditary Cancer Syndrome. Identifiers: Orphanet 140162, MedGen C0027672, MeSH D009386, MONDO:0015356.
Hereditary breast ovarian cancer syndrome. Also called: Breast and ovarian cancer; Hereditary breast and/or ovarian cancer syndrome; Hereditary breast and ovarian cancer syndrome (HBOC); Hereditary breast and ovarian cancer; Hereditary breast and ovarian cancer syndrome; BRCA1- and BRCA2-Associated Hereditary Breast and Ovarian Cancer. Identifiers: Orphanet 145, MedGen C0677776, MeSH D061325, MONDO:0003582. Disease mechanism: loss of function.
Breast-ovarian cancer, familial, susceptibility to, 1 (BROVCA1). Also called: BRCA1 Hereditary Breast and Ovarian Cancer; OVARIAN CANCER, SUSCEPTIBILITY TO. Identifiers: Orphanet 145, MedGen C2676676, MONDO:0011450, OMIM 604370. Disease mechanism: loss of function.

Allele frequency attached by ClinVar (database versions not stated): gnomAD 0.00001; gnomAD exomes 0.00001 and below 0.00001; TOPMed below 0.00001; ExAC 0.00002.
gnomAD v4.1: 3 of 1,602,342 alleles (0.00019%); highest among the groups gnomAD compares: African/African-American, 0.004%; no homozygotes.

Submissions 1 to 4 of 17:

Ambry Genetics
Classification: Pathogenic for Hereditary cancer-predisposing syndrome. Last evaluated: 2026-02-10. Review status: criteria provided, single submitter. Criteria: Ambry Variant Classification Scheme 2023. Collection method: clinical testing. Allele origin: germline.
Comment: The c.190T>G (p.C64G) alteration is located in exon 4 (coding exon 3) of the BRCA1 gene. This alteration results from a T to G substitution at nucleotide position 190, causing the cysteine (C) at amino acid position 64 to be replaced by a glycine (G). Based on data from gnomAD, the G allele has an overall frequency of 0.001% (3/250804) total alleles studied. The highest observed frequency was 0.019% (3/16182) of African alleles. This alteration was first described in an African American kindred with multiple cases of early-onset breast and ovarian cancer and segregated with disease (Castilla, 1994). This alteration has also been identified in multiple hereditary breast and ovarian cancer (HBOC) families (Merajver, 1995; Serova, 1997; Shih, 2000; Sinilnikova, 2006; Churpek, 2015; Tung, 2015; Lynce, 2015; Rebbeck, 2018), as well as in a cohort of 3,579 African males diagnosed with prostate cancer who underwent multi-gene panel testing (Matejcic, 2020). This alteration is also referred to as 309T>G in published literature. This amino acid position is highly conserved in available vertebrate species. This alteration has been classified as deleterious by an alternative functional mechanism resulting from disruption of a zinc-binding ring finger residue at this position. Several independent DNA repair assays showed loss of function in p.C64G point mutants for BRCA1 ubiquitin ligase activity, homology directed recombination, functional complementation, and a high-throughput, genome editing, haploid cell survival assay (Scully, 1999; Morris, 2006; Ransburgh, 2010; Towler, 2013; Bouwman, 2013; Lu, 2015; Starita, 2015; Findlay, 2018). This alteration is predicted to be deleterious by in silico analysis. In addition, in silico studies predict that this alteration will simultaneously disrupt a putative exonic splicing enhancer motif and activate a cryptic 5' splice site in coding exon 4 (Willems, 2009; Mucaki, 2011). This results in a 22-nucleotide partial exon skipping event which is predicted to lead to a truncated protein consisting of only 63 amino acids (Ambry internal data; Yang, 2003). Based on the available evidence, this alteration is classified as pathogenic.

Labcorp Genetics (formerly Invitae), Labcorp
Classification: Pathogenic for Hereditary breast ovarian cancer syndrome. Last evaluated: 2026-01-05. Review status: criteria provided, single submitter. Criteria: Invitae Variant Classification Sherloc (09022015). Collection method: clinical testing. Allele origin: germline.
Comment: This sequence change replaces cysteine, which is neutral and slightly polar, with glycine, which is neutral and non-polar, at codon 64 of the BRCA1 protein (p.Cys64Gly). RNA analysis indicates that this missense change induces altered splicing and may result in an absent or altered protein product. This variant is present in population databases (rs80357064, gnomAD 0.007%). This missense change has been observed in individual(s) with breast and ovarian cancer (PMID: 7894491, 9042907, 26689913). It has also been observed to segregate with disease in related individuals. ClinVar contains an entry for this variant (Variation ID: 17660). Invitae Evidence Modeling incorporating data from in vitro experimental studies (PMID: 30209399) indicates that this missense variant is expected to disrupt BRCA1 function with a positive predictive value of 95%. Experimental studies have shown that this missense change affects BRCA1 function (PMID: 20103620, 23161852). Studies have shown that this missense change alters mRNA splicing and is expected to lead to the loss of protein expression (PMID: 12915465, 26689913; internal data). This variant disrupts the p.Cys64 amino acid residue in BRCA1. Other variant(s) that disrupt this residue have been determined to be pathogenic (PMID: 11320250, 18489799, 22034289, 24516540). This suggests that this residue is clinically significant, and that variants that disrupt this residue are likely to be disease-causing. For these reasons, this variant has been classified as Pathogenic.

PreventionGenetics, part of Exact Sciences
Classification: Pathogenic for BRCA1-related condition. Last evaluated: 2025-09-09. Review status: criteria provided, single submitter. Criteria: ACMG Guidelines, 2015. Collection method: clinical testing. Allele origin: germline.
Comment: The BRCA1 c.190T>G variant is predicted to result in the amino acid substitution p.Cys64Gly. This variant is alternatively referred to as c.309T>G using legacy nomenclature and has been reported in multiple individuals with hereditary breast and ovarian cancer (Castilla et al. 1994. PubMed ID: 7894491; Palmer et al. 2020. PubMed ID: 32427313) and has been shown to segregate with disease (Lynce et al. 2015. PubMed ID: 26250392). This variant has also been identified in an individual with prostate cancer (Supplemental Table 1, Matejcic et al. 2020. PubMed ID: 32832836). Multiple functional studies demonstrate that this variant alters splicing and affects protein function (Willems et al. 2009. PubMed ID: 19287957; Ransburgh et al. 2010. PubMed ID: 20103620). This variant occurs within a region of the BRCA1 gene that is predicted to be a hotspot for missense variation (Table 2, Dines et al. 2020. PubMed ID: 31911673). This variant is reported in 0.019% of alleles in individuals of African descent in gnomAD. This variant is classified as pathogenic in ClinVar (Variation ID: 17660). This variant is interpreted as pathogenic.

All of Us Research Program, National Institutes of Health
Classification: Pathogenic for Breast-ovarian cancer, familial, susceptibility to, 1. Last evaluated: 2023-06-08. Review status: criteria provided, single submitter. Criteria: ACMG Guidelines, 2015. Collection method: clinical testing. Allele origin: germline. Inheritance: Autosomal dominant inheritance. Observed: 1 variant allele, 1 heterozygote.
Comment: This missense variant replaces cysteine with glycine at codon 64 of the BRCA1 protein. Computational prediction suggests that this variant may have deleterious impact on protein structure and function (internally defined REVEL score threshold >= 0.7, PMID: 27666373). RNA study has observed that this variant causes an increase in cryptic out-of-frame splicing in exon 4 (PMID: 12915465) and functional studies have reported that the variant impacts BRCA1 function in homology-directed repair, ubiquitin ligase, haploid cell proliferation and BARD1 binding assays and rescue of DNA damage sensitivity in BRCA1-deficient cells (PMID: 8944023, 10635334, 11320250, 16403807, 20103620, 23867111, 25823446, 30209399). This variant has been detected in at least 7 individuals and families affected with breast and ovarian cancers, and this variant was found to segregate with disease in a large pedigree with a LOD score of 2.74 (PMID: 7894491, 9042907, 9816013, 25428789, 26250392, 26689913, 28831036). This variant has been identified in 3/250804 chromosomes in the general population by the Genome Aggregation Database (gnomAD). Based on the available evidence, this variant is classified as Pathogenic.

This study involves interpretation of variants in research participants for the purpose of population health screening. Participant phenotype was not available at the time of variant classification. Additional details can be found in publication PMID: 35346344, PMCID: PMC8962531

NM_007294.4(BRCA1):c.190T>G (p.Cys64Gly)

Gene: BRCA1 (BRCA1 DNA repair associated; minus strand). Cytogenetic location: 17q21.31.
Variant type: single nucleotide variant.
Coding change: c.190T>G on transcript NM_007294.4 (MANE Select); coding-DNA position 190, T replaced by G.
Protein change: p.Cys64Gly; replaces cysteine 64 with glycine.
Molecular consequence: missense variant. On other transcripts: non-coding transcript variant (1).
Genome position (GRCh38, 1-based): chr17:43,106,478, A>C on the plus strand (T>G on the coding strand, the complement: BRCA1 is on the minus strand). VCF-style: chr17-43106478-A-C. GRCh37 (hg19) VCF-style: chr17-41258495-A-C.
Other names: p.C64G:TGT>GGT; 309T>G; c.2T>G, p.Met1Arg (NM_001407917.1, NM_001407918.1, NM_001407946.1 and 58 more transcripts); c.190T>G, p.Cys64Gly (NM_001407919.1, NM_001407937.1, NM_001407938.1 and 168 more transcripts); c.49T>G, p.Cys17Gly (NM_001407920.1, NM_001407921.1, NM_001407922.1 and 99 more transcripts); short protein forms C64G, C17G, M1R.
Identifiers: ClinVar variation 17660 (VCV000017660.43), dbSNP rs80357064, ClinGen allele CA001250.